The following is an entry in ClinVar:

ClinVar aggregate classification (germline): Uncertain significance. Review status: criteria provided, multiple submitters, no conflicts (2 of 4 stars). 2 submissions from 2 submitters: Uncertain significance (2). Last evaluated 2026-04-11.

Conditions:
UCP3-related disorder. Also called: UCP3-related condition.

Allele frequency attached by ClinVar (database versions not stated): ExAC 0.00007; ESP Exome Variant Server 0.00008; TOPMed 0.00008; gnomAD 0.00009; gnomAD exomes 0.00010.

Submissions (2):

PreventionGenetics, part of Exact Sciences
Classification: Uncertain significance for UCP3-related condition. Last evaluated: 2026-04-11. Review status: criteria provided, single submitter. Criteria: ACMG Guidelines, 2015. Collection method: clinical testing. Allele origin: germline.
Comment: The UCP3 c.330C>T variant is not predicted to result in an amino acid change (p.=). This variant is predicted to impact splicing based on a splicing prediction program (SpliceAI, Jaganathan et al. 2019. PubMed ID: 30661751). However, the use of computer prediction programs is not equivalent to functional evidence. To our knowledge, this variant has not been reported in the literature. This variant is reported in 0.010% of alleles in individuals of European (Non-Finnish) descent in gnomAD. At this time, the clinical significance of this variant is uncertain due to the absence of conclusive functional and genetic evidence.

Labcorp Genetics (formerly Invitae), Labcorp
Classification: Uncertain significance. Last evaluated: 2023-10-29. Review status: criteria provided, single submitter. Criteria: Invitae Variant Classification Sherloc (09022015). Collection method: clinical testing. Allele origin: germline.
Comment: This sequence change affects codon 110 of the UCP3 mRNA. It is a 'silent' change, meaning that it does not change the encoded amino acid sequence of the UCP3 protein. This variant is present in population databases (rs375891548, gnomAD 0.01%). This variant has not been reported in the literature in individuals affected with UCP3-related conditions. Algorithms developed to predict the effect of sequence changes on RNA splicing suggest that this variant may disrupt the consensus splice site. In summary, the available evidence is currently insufficient to determine the role of this variant in disease. Therefore, it has been classified as a Variant of Uncertain Significance.

NM_003356.4(UCP3):c.330C>T (p.Gly110=)

Gene: UCP3 (uncoupling protein 3; minus strand). Cytogenetic location: 11q13.4.
Variant type: single nucleotide variant.
Coding change: c.330C>T on transcript NM_003356.4 (MANE Select); coding-DNA position 330, C replaced by T.
Protein change: p.Gly110=; no amino-acid change (glycine 110 retained).
Molecular consequence: synonymous variant.
Genome position (GRCh38, 1-based): chr11:74,006,176, G>A on the plus strand (C>T on the coding strand, the complement: UCP3 is on the minus strand). VCF-style: chr11-74006176-G-A. GRCh37 (hg19) VCF-style: chr11-73717221-G-A.
Other names: c.330C>T (NM_003356.3); c.330C>T, p.Gly110= (NM_022803.3).
Identifiers: ClinVar variation 2703039 (VCV002703039.6), dbSNP rs375891548, ClinGen allele CA6181539.
Genomic context (GRCh38, chr11:74,006,176, plus strand): 5'-TGACCCACACACTTTCAGCCACCCCTTTGGTGTTCAGGGACCTGGTCACTCACTGTCCGC[G>A]CCTTTGGGGGTGTACACCTGCTTGACGGAGTCATAGAGGCCGATGCGGATGGAGGCGAAG-3'
Protein context (NP_003347.1, residues 100-120): DSVKQVYTPK[Gly110=]ADNSSLTTRI